The following is an entry in ClinVar:

NM_173500.4(TTBK2):c.1645T>G (p.Ser549Ala)

Gene: TTBK2 (tau tubulin kinase 2; minus strand). Cytogenetic location: 15q15.2.
Variant type: single nucleotide variant.
Coding change: c.1645T>G on transcript NM_173500.4 (MANE Select); coding-DNA position 1645, T replaced by G.
Protein change: p.Ser549Ala; replaces serine 549 with alanine.
Molecular consequence: missense variant.
Genome position (GRCh38, 1-based): chr15:42,775,488, A>C on the plus strand (T>G on the coding strand, the complement: TTBK2 is on the minus strand). VCF-style: chr15-42775488-A-C. GRCh37 (hg19) VCF-style: chr15-43067686-A-C.
Other names: short protein forms S549A.
Identifiers: ClinVar variation 805617 (VCV000805617.7), dbSNP rs376556189, ClinGen allele CA7516856.

ClinVar aggregate classification (germline): Uncertain significance. Review status: criteria provided, multiple submitters, no conflicts (2 of 4 stars). 3 submissions from 3 submitters: Uncertain significance (3). Last evaluated 2023-09-10.

Conditions:
Inborn genetic diseases. Identifiers: MedGen C0950123, MeSH D030342.

Allele frequency attached by ClinVar (database versions not stated): ExAC 0.00003; gnomAD exomes 0.00005 and 0.00011; ESP Exome Variant Server 0.00008; TOPMed 0.00008; gnomAD 0.00012; 1000 Genomes Project 30x 0.00016; 1000 Genomes Project 0.00020.
gnomAD v4.1: 180 of 1,614,178 alleles (0.011%); highest among the groups gnomAD compares: Non-Finnish European, 0.014%; no homozygotes.

Submissions (3):

Labcorp Genetics (formerly Invitae), Labcorp
Classification: Uncertain significance. Last evaluated: 2023-09-10. Review status: criteria provided, single submitter. Criteria: Invitae Variant Classification Sherloc (09022015). Collection method: clinical testing. Allele origin: germline.
Comment: In summary, the available evidence is currently insufficient to determine the role of this variant in disease. Therefore, it has been classified as a Variant of Uncertain Significance. Advanced modeling of protein sequence and biophysical properties (such as structural, functional, and spatial information, amino acid conservation, physicochemical variation, residue mobility, and thermodynamic stability) performed at Invitae indicates that this missense variant is not expected to disrupt TTBK2 protein function. ClinVar contains an entry for this variant (Variation ID: 805617). This variant has not been reported in the literature in individuals affected with TTBK2-related conditions. This variant is present in population databases (rs376556189, gnomAD 0.01%). This sequence change replaces serine, which is neutral and polar, with alanine, which is neutral and non-polar, at codon 549 of the TTBK2 protein (p.Ser549Ala).

Ambry Genetics
Classification: Uncertain significance for Inborn genetic diseases. Last evaluated: 2023-05-15. Review status: criteria provided, single submitter. Criteria: Ambry Variant Classification Scheme 2023. Collection method: clinical testing. Allele origin: germline.

Athena Diagnostics
Classification: Uncertain significance. Last evaluated: 2019-02-25. Review status: criteria provided, single submitter. Criteria: Athena Diagnostics Criteria. Collection method: clinical testing. Allele origin: germline.